The following is an entry in ClinVar:

NM_001101362.3(KBTBD13):c.491C>G (p.Thr164Arg)

Gene: KBTBD13 (kelch repeat and BTB domain containing 13; plus strand). Cytogenetic location: 15q22.31.
Variant type: single nucleotide variant.
Coding change: c.491C>G on transcript NM_001101362.3 (MANE Select); coding-DNA position 491, C replaced by G.
Protein change: p.Thr164Arg; replaces threonine 164 with arginine.
Molecular consequence: missense variant.
Genome position (GRCh38, 1-based): chr15:65,077,306, C>G. VCF-style: chr15-65077306-C-G. GRCh37 (hg19) VCF-style: chr15-65369644-C-G.
Other names: short protein forms T164R.
Identifiers: ClinVar variation 574587 (VCV000574587.8), dbSNP rs1404956647, ClinGen allele CA392861107.
Genomic context (GRCh38, chr15:65,077,306, plus strand): 5'-AGGCCCGCGCCTACGTGGCGGCCCTGCGGCCCAGCAGCTACGCGGCCGTGAGCACGCACA[C>G]GCCCGCGCCCGGCTTCCTGGAGGACGCCTCGCGCACGCTGTGTTACCTGGACGAGGAAGA-3'
Protein context (NP_001094832.1, residues 154-174): PSSYAAVSTH[Thr164Arg]PAPGFLEDAS

ClinVar aggregate classification (germline): Uncertain significance (1 of 4 stars; one submission).

Conditions:
Nemaline myopathy 6 (NEM6). Also called: Nemaline myopathy 6, autosomal dominant. Identifiers: Orphanet 171439, MedGen C1836472, MONDO:0012237, OMIM 609273.

Allele frequency attached by ClinVar (database versions not stated): gnomAD exomes below 0.00001; gnomAD 0.00001; TOPMed 0.00001.

Submission:

Labcorp Genetics (formerly Invitae), Labcorp
Classification: Uncertain significance for Nemaline myopathy 6. Last evaluated: 2018-02-08. Review status: criteria provided, single submitter. Criteria: Invitae Variant Classification Sherloc (09022015). Collection method: clinical testing. Allele origin: germline.
Comment: In summary, the available evidence is currently insufficient to determine the role of this variant in disease. Therefore, it has been classified as a Variant of Uncertain Significance. Algorithms developed to predict the effect of missense changes on protein structure and function do not agree on the potential impact of this missense change (SIFT: "Deleterious"; PolyPhen-2: "Benign"; Align-GVGD: "Class C0"). This variant has not been reported in the literature in individuals with KBTBD13-related disease. While this variant is not present in population databases, the frequency information is unreliable, as metrics indicate poor data quality at this position in the ExAC database. This sequence change replaces threonine with arginine at codon 164 of the KBTBD13 protein (p.Thr164Arg). The threonine residue is moderately conserved and there is a moderate physicochemical difference between threonine and arginine.